The following is an entry in ClinVar:

ClinVar aggregate classification (germline): Pathogenic. Review status: criteria provided, multiple submitters, no conflicts (2 of 4 stars). 13 submissions from 13 submitters: Pathogenic (11). 2 of the submissions do not count toward it. Last evaluated 2026-08-21.

Conditions:
Cardiovascular phenotype. Identifiers: MedGen CN230736.
Cardiomyopathy (CMYO). Also called: Cardiomyopathies. Identifiers: Orphanet 167848, MedGen C0878544, MONDO:0004994, HP:0001638. Inheritance: Various modes of inheritance.
Hypertrophic cardiomyopathy 4. Also called: Familial hypertrophic cardiomyopathy 4. Identifiers: MedGen C1861862, MONDO:0007268, OMIM 115197.
Hypertrophic cardiomyopathy. Also called: HYPERTROPHIC MYOCARDIOPATHY. Identifiers: Orphanet 217569, MedGen C0007194, MeSH D002312, MONDO:0005045, HP:0001639.

Submissions (13):

Ambry Genetics
Classification: Pathogenic for Cardiovascular phenotype. Last evaluated: 2026-08-21. Review status: criteria provided, single submitter. Criteria: Ambry Variant Classification Scheme 2023. Collection method: clinical testing. Allele origin: germline.
Comment: The c.1800delA alteration, located in exon 19 (coding exon 19) of the MYBPC3 gene, consists of a deletion of one nucleotide at position 1800, causing a translational frameshift with a predicted alternate stop codon after amino acids. This variant is expected to result in loss of function by premature protein truncation or nonsense-mediated mRNA decay. Based on data from gnomAD, this allele has an overall frequency of <0.001% (1/203524) total alleles studied. The highest observed frequency was 0.003% (1/29536) of Latino alleles. Based on the available evidence, this alteration is classified as pathogenic.

Mendelics
Classification: Pathogenic for Hypertrophic cardiomyopathy 4. Last evaluated: 2026-03-05. Review status: criteria provided, single submitter. Criteria: ACMG Guidelines, 2015. Collection method: clinical testing. Allele origin: unknown.
Comment: Likely pathogenic/Pathogenic according to ACMG criteria.

Labcorp Genetics (formerly Invitae), Labcorp
Classification: Pathogenic for Hypertrophic cardiomyopathy. Last evaluated: 2026-01-13. Review status: criteria provided, single submitter. Criteria: Invitae Variant Classification Sherloc (09022015). Collection method: clinical testing. Allele origin: germline.
Comment: This sequence change creates a premature translational stop signal (p.Lys600Asnfs*2) in the MYBPC3 gene. It is expected to result in an absent or disrupted protein product. Loss-of-function variants in MYBPC3 are known to be pathogenic (PMID: 19574547). This variant is present in population databases (rs397515926, gnomAD 0.003%). This premature translational stop signal has been observed in individuals with hypertrophic cardiomyopathy (PMID: 12707239, 20433692, 22857948, 27532257). ClinVar contains an entry for this variant (Variation ID: 42568). For these reasons, this variant has been classified as Pathogenic.

Color Diagnostics, LLC DBA Color Health
Classification: Pathogenic for Cardiomyopathy. Last evaluated: 2025-10-28. Review status: criteria provided, single submitter. Criteria: ACMG Guidelines, 2015. Collection method: clinical testing. Allele origin: germline.
Comment: This variant deletes 1 nucleotide in exon 19 of the Ig-like domain C4 of the MYBPC3 gene, creating a frameshift and premature translation stop signal. This variant is expected to result in an absent or non-functional protein product. This variant has been reported in individuals affected with hypertrophic cardiomyopathy (PMID: 12707239, 20433692, 20738943, 22857948, 27532257, 33495597). This variant has been identified in 1/203524 chromosomes in the general population by the Genome Aggregation Database (gnomAD). Loss of MYBPC3 function is a known mechanism of disease. Based on the available evidence, this variant is classified as Pathogenic.

GeneDx
Classification: Pathogenic. Last evaluated: 2025-10-11. Review status: criteria provided, single submitter. Criteria: GeneDx Variant Classification Process June 2021. Collection method: clinical testing. Allele origin: germline. Affected: yes.
Comment: Identified in multiple unrelated patients with HCM referred for genetic testing at GeneDx and in published literature (PMID: 12707239, 22857948, 27532257, 37317833); Frameshift variant predicted to result in protein truncation or nonsense mediated decay in a gene for which loss of function is a known mechanism of disease; Not observed at significant frequency in large population cohorts (gnomAD); This variant is associated with the following publications: (PMID: 22857948, 27153395, 27532257, 31589614, 37652022, 20433692, 20738943, 12707239, 37317833, 38642551)

All of Us Research Program, National Institutes of Health
Classification: Pathogenic for Hypertrophic cardiomyopathy. Last evaluated: 2023-04-10. Review status: criteria provided, single submitter. Criteria: ACMG Guidelines, 2015. Collection method: clinical testing. Allele origin: germline. Inheritance: Autosomal dominant inheritance. Observed: 1 variant allele, 1 heterozygote.
Comment: This variant deletes 1 nucleotide in exon 19 of the Ig-like domain C4 of the MYBPC3 gene, creating a frameshift and premature translation stop signal. This variant is expected to result in an absent or non-functional protein product. This variant has been reported in individuals affected with hypertrophic cardiomyopathy (PMID: 12707239, 20433692, 20738943, 22857948, 27532257, 33495597). This variant has been identified in 1/203524 chromosomes in the general population by the Genome Aggregation Database (gnomAD). Loss of MYBPC3 function is a known mechanism of disease. Based on the available evidence, this variant is classified as Pathogenic.

This study involves interpretation of variants in research participants for the purpose of population health screening. Participant phenotype was not available at the time of variant classification. Additional details can be found in publication PMID: 35346344, PMCID: PMC8962531

CHEO Genetics Diagnostic Laboratory, Children's Hospital of Eastern Ontario
Classification: Pathogenic for Cardiomyopathy. Last evaluated: 2023-03-15. Review status: criteria provided, single submitter. Criteria: ACMG Guidelines, 2015. Collection method: clinical testing. Allele origin: germline.

New York Genome Center
Classification: Pathogenic for Hypertrophic cardiomyopathy 4. Last evaluated: 2021-07-16. Review status: criteria provided, single submitter. Criteria: NYGC Assertion Criteria 2020. Collection method: clinical testing. Allele origin: inherited. Observed: 1 heterozygote. Study: CSER-NYCKidSeq.
Comment: The inherited c.1800del (p.Lys600AsnfsTer2) variant identified in the MYBPC3 gene is the deletion of a single nucleotide resulting in a frameshift at amino acid 600/1275 (exon 19/35) and is predicted to lead to the premature termination of the protein 2 amino acids downstream. This variant is absent from gnomAD(v3.1.1) suggesting it is not a common benign variant in the populations represented in that database. Loss-of-function variants in MYBPC3 are known to be pathogenic [PMID: 19574547]. The c.1800del (p.Lys600AsnfsTer2) variant is reported in ClinVar as Pathogenic by multiple submitters (VarID: 42568) and has been reported in several individuals affected with hypertrophic cardiomyopathy in the literature [PMID: 12707239, 20433692, 22857948, 27532257, 20738943]. Given this variant is predicted to lead to the premature termination of the protein, its presence in affected individuals in the literature, and absence in population databases, the c.1800del (p.Lys600AsnfsTer2) variant identified in the MYBPC3 gene is reported as Pathogenic.

Center of Genomic medicine, Geneva, University Hospital of Geneva
Classification: Pathogenic for Hypertrophic cardiomyopathy 4. Last evaluated: 2017-08-14. Review status: criteria provided, single submitter. Criteria: ACMG Guidelines, 2015. Collection method: clinical testing. Allele origin: germline. Affected: yes.

Stanford Center for Inherited Cardiovascular Disease, Stanford University
Classification: Pathogenic. Last evaluated: 2014-04-07. Review status: criteria provided, single submitter. Criteria: ACMG Guidelines, 2015. Collection method: provider interpretation. Allele origin: germline.

Laboratory for Molecular Medicine, Mass General Brigham Personalized Medicine
Classification: Pathogenic for Hypertrophic cardiomyopathy. Last evaluated: 2013-12-04. Review status: criteria provided, single submitter. Criteria: LMM Criteria. Collection method: clinical testing. Allele origin: germline. Inheritance: Autosomal dominant inheritance. Observed: 4 variant alleles.
Comment: The p.Lys600fs variant in MYBPC3 has been identified by our laboratory in 2 adul ts with HCM. This frameshift variant is predicted to alter the protein?s amino a cid sequence beginning at position 600 and lead to a premature termination codon 2 amino acids downstream. This alteration is then predicted to lead to a trunca ted or absent protein. Heterozygous loss of function of the MYBPC3 gene is an es tablished disease mechanism in HCM patients. In summary, this variant meets crit eria to be classified as pathogenic based upon c onsistency with the established disease causing mechanism.

Clinical Genetics DNA and cytogenetics Diagnostics Lab, Erasmus MC, Erasmus Medical Center
Classification: Pathogenic. Review status: no assertion criteria provided. Collection method: clinical testing. Allele origin: germline. Affected: yes. Study: VKGL Data-share Consensus. Not counted in ClinVar's aggregate classification.

Joint Genome Diagnostic Labs from Nijmegen and Maastricht, Radboudumc and MUMC+
Classification: Pathogenic. Review status: no assertion criteria provided. Collection method: clinical testing. Allele origin: germline. Affected: yes. Study: VKGL Data-share Consensus. Not counted in ClinVar's aggregate classification.

Literature cited by the submitters: PubMed 19574547 (cited by Labcorp Genetics (formerly Invitae), Labcorp); PubMed 12707239 (cited by 5 submitters); PubMed 20433692 (cited by 4 submitters); PubMed 22857948 (cited by 4 submitters); PubMed 27532257 (cited by 4 submitters); PubMed 20738943 (cited by 3 submitters); PubMed 33495597 (cited by Color Diagnostics, LLC DBA Color Health and All of Us Research Program, National Institutes of Health).

NM_000256.3(MYBPC3):c.1800delA

Gene: MYBPC3 (myosin binding protein C3; minus strand). Cytogenetic location: 11p11.2.
Variant type: Deletion.
Coding change: c.1800delA on transcript NM_000256.3 (MANE Select); coding-DNA position 1800, one base deleted (A).
Genome position (GRCh38, 1-based): chr11:47,341,235, T deleted on the plus strand (A on the coding strand, the reverse complement: MYBPC3 is on the minus strand); the first of 3 consecutive T bases (chr11:47,341,235-47,341,237); deleting any one gives the same sequence. VCF-style (leftmost placement, unchanged base first): chr11-47341234-GT-G. GRCh37 (hg19) VCF-style: chr11-47362785-GT-G.
Other names: c.1800del, p.Lys600fs (LRG_386t1).
Identifiers: ClinVar variation 42568 (VCV000042568.39), dbSNP rs397515926, ClinGen allele CA011173.